The following is an entry in ClinVar:

ClinVar aggregate classification (germline): Likely benign (1 of 4 stars; one submission).

Submission:

GeneDx
Classification: Likely benign. Last evaluated: 2020-11-18. Review status: criteria provided, single submitter. Criteria: GeneDx Variant Classification Process June 2021. Collection method: clinical testing. Allele origin: germline. Affected: yes.
Comment: See Variant Classification Assertion Criteria.

NC_000017.11:g.59106901G>A

Gene: TRIM37 (tripartite motif containing 37; minus strand). Cytogenetic location: 17q22.
Variant type: single nucleotide variant.
Genome position: GRCh38 VCF-style: chr17-59106901-G-A. GRCh37 (hg19) VCF-style: chr17-57184262-G-A.
Identifiers: ClinVar variation 4813944 (VCV004813944.1).